The following is an entry in ClinVar:

ClinVar aggregate classification (germline): Uncertain significance. Review status: criteria provided, multiple submitters, no conflicts (2 of 4 stars). 2 submissions from 2 submitters: Uncertain significance (2). Last evaluated 2025-08-12.

Conditions:
Inborn genetic diseases. Identifiers: MedGen C0950123, MeSH D030342.

Allele frequency attached by ClinVar (database versions not stated): gnomAD 0.00001 and 0.00002; gnomAD exomes 0.00003 and 0.00020; TOPMed 0.00004; ExAC 0.00043.
gnomAD v4.1: 47 of 1,577,292 alleles (0.003%); highest among the groups gnomAD compares: Admixed American, 0.081%; no homozygotes.

Submissions (2):

Ambry Genetics
Classification: Uncertain significance for Inborn genetic diseases. Last evaluated: 2025-08-12. Review status: criteria provided, single submitter. Criteria: Ambry Variant Classification Scheme 2023. Collection method: clinical testing. Allele origin: germline.

Labcorp Genetics (formerly Invitae), Labcorp
Classification: Uncertain significance. Last evaluated: 2021-08-25. Review status: criteria provided, single submitter. Criteria: Invitae Variant Classification Sherloc (09022015). Collection method: clinical testing. Allele origin: germline.
Comment: In summary, the available evidence is currently insufficient to determine the role of this variant in disease. Therefore, it has been classified as a Variant of Uncertain Significance. Algorithms developed to predict the effect of missense changes on protein structure and function (SIFT, PolyPhen-2, Align-GVGD) all suggest that this variant is likely to be tolerated. This variant has not been reported in the literature in individuals affected with MYO1E-related conditions. This variant is present in population databases (rs763520830, ExAC 1.0%). This sequence change replaces proline with alanine at codon 951 of the MYO1E protein (p.Pro951Ala). The proline residue is highly conserved and there is a small physicochemical difference between proline and alanine.

NM_004998.4(MYO1E):c.2851C>G (p.Pro951Ala)

Gene: MYO1E (myosin IE; minus strand). Cytogenetic location: 15q22.2.
Variant type: single nucleotide variant.
Coding change: c.2851C>G on transcript NM_004998.4 (MANE Select); coding-DNA position 2851, C replaced by G.
Protein change: p.Pro951Ala; replaces proline 951 with alanine.
Molecular consequence: missense variant.
Genome position (GRCh38, 1-based): chr15:59,158,314, G>C on the plus strand (C>G on the coding strand, the complement: MYO1E is on the minus strand). VCF-style: chr15-59158314-G-C. GRCh37 (hg19) VCF-style: chr15-59450513-G-C.
Other names: c.2851C>G (NM_004998.2); short protein forms P951A.
Identifiers: ClinVar variation 1406666 (VCV001406666.8), dbSNP rs763520830, ClinGen allele CA7589099.